The following is an entry in ClinVar:

ClinVar aggregate classification (germline): Likely benign. Review status: criteria provided, multiple submitters, no conflicts (2 of 4 stars). 2 submissions from 2 submitters: Likely benign (2). Last evaluated 2025-07-08.

Conditions:
TNC-related disorder. Also called: TNC-related condition.

gnomAD v4.1: 180 of 1,614,064 alleles (0.011%); highest among the groups gnomAD compares: Middle Eastern, 0.033%; no homozygotes.

Submissions (2):

PreventionGenetics, part of Exact Sciences
Classification: Likely benign for TNC-related condition. Last evaluated: 2025-07-08. Review status: criteria provided, single submitter. Criteria: ACMG Guidelines, 2015. Collection method: clinical testing. Allele origin: germline.
Comment: This variant is classified as likely benign based on ACMG/AMP sequence variant interpretation guidelines (Richards et al. 2015 PMID: 25741868, with internal and published modifications).

Blueprint Genetics
Classification: Likely benign. Last evaluated: 2023-01-19. Review status: criteria provided, single submitter. Criteria: ACMG Guidelines, 2015. Collection method: clinical testing. Allele origin: germline.

NM_002160.4(TNC):c.1500A>G (p.Gln500=)

Gene: TNC (tenascin C; minus strand). Cytogenetic location: 9q33.1.
Variant type: single nucleotide variant.
Coding change: c.1500A>G on transcript NM_002160.4 (MANE Select); coding-DNA position 1500, A replaced by G.
Protein change: p.Gln500=; no amino-acid change (glutamine 500 retained).
Molecular consequence: synonymous variant.
Genome position (GRCh38, 1-based): chr9:115,086,231, T>C on the plus strand (A>G on the coding strand, the complement: TNC is on the minus strand). VCF-style: chr9-115086231-T-C. GRCh37 (hg19) VCF-style: chr9-117848510-T-C.
Other names: c.1500A>G (NM_002160.3); c.1500A>G, p.Gln500= (NM_001439080.1, NM_001439081.1, NM_001439082.1 and 35 more transcripts).
Identifiers: ClinVar variation 4904311 (VCV004904311.2).